The following is an entry in ClinVar:

NM_000213.5(ITGB4):c.4708+6G>T

Genes: GALK1 (galactokinase 1; minus strand), ITGB4 (integrin subunit beta 4; plus strand). Cytogenetic location: 17q25.1.
Variant type: single nucleotide variant.
Coding change: c.4708+6G>T on transcript NM_000213.5 (MANE Select); 6 bases into the intron after coding-DNA position 4708, G replaced by T.
Molecular consequence: intron variant.
Genome position (GRCh38, 1-based): chr17:75,755,856, G>T. VCF-style: chr17-75755856-G-T. GRCh37 (hg19) VCF-style: chr17-73751937-G-T.
Other names: c.4657+6G>T (NM_001005619.2); c.4498+6G>T (NM_001005731.3, NM_001321123.2); c.4349-573G>T (NM_001438834.1); c.*22+2178C>A (NM_001381985.1).
Identifiers: ClinVar variation 3051623 (VCV003051623.3), dbSNP rs893261865, ClinGen allele CA294084763.
Genomic context (GRCh38, chr17:75,755,856, plus strand): 5'-CGGTGCGAGCGGCCGCTGCAGGGCTACAGTGTGGAGTACCAGCTGCTGAACGGCGGTGAG[G>T]CATGGTGGCTGCCAGGCTGCGGGGTGCAGCCCTGCAAGGCCTGGCCCCAGTGTGACACAT-3'

ClinVar aggregate classification (germline): Likely benign. Review status: criteria provided, single submitter (1 of 4 stars). 2 submissions from 2 submitters: Likely benign (1). 1 of the submissions does not count toward it. Last evaluated 2024-11-27.

Conditions:
ITGB4-related disorder. Also called: ITGB4-related condition.

Allele frequency attached by ClinVar (database versions not stated): TOPMed 0.00001; gnomAD 0.00001.
gnomAD v4.1: 12 of 1,601,430 alleles (0.00075%); highest among the groups gnomAD compares: East Asian, 0.0022%; no homozygotes.

Submissions (2):

Blueprint Genetics
Classification: Likely benign. Last evaluated: 2024-11-27. Review status: criteria provided, single submitter. Criteria: ACMG Guidelines, 2015. Collection method: clinical testing. Allele origin: germline.

PreventionGenetics, part of Exact Sciences
Classification: Likely benign for ITGB4-related condition. Last evaluated: 2023-07-22. Review status: no assertion criteria provided. Collection method: clinical testing. Allele origin: germline. Not counted in ClinVar's aggregate classification.
Comment: This variant is classified as likely benign based on ACMG/AMP sequence variant interpretation guidelines (Richards et al. 2015 PMID: 25741868, with internal and published modifications).